The following is an entry in ClinVar:

ClinVar aggregate classification (germline): Pathogenic/Likely pathogenic. Review status: criteria provided, multiple submitters, no conflicts (2 of 4 stars). 11 submissions from 11 submitters: Pathogenic (7); Likely pathogenic (3). 1 of the submissions does not count toward it. Last evaluated 2026-01-28.

Conditions:
Medium-chain acyl-coenzyme A dehydrogenase deficiency (ACADMD). Also called: Medium chain acyl-CoA dehydrogenase deficiency; MCAD Deficiency; MCADD; ACADM DEFICIENCY; CARNITINE DEFICIENCY SECONDARY TO MEDIUM-CHAIN ACYL-CoA DEHYDROGENASE DEFICIENCY; MCADH DEFICIENCY. Identifiers: Orphanet 42, MedGen C0220710, MONDO:0008721, OMIM 201450.
ACADM-related disorder. Also called: ACADM-related condition.

Allele frequency attached by ClinVar (database versions not stated): gnomAD below 0.00001 and 0.00002; gnomAD exomes 0.00004 and 0.00008; ExAC 0.00010.

Submissions (11):

Natera, Inc.
Classification: Likely pathogenic for Medium Chain Acyl-CoA Dehydrogenase Deficiency. Last evaluated: 2026-01-28. Review status: criteria provided, single submitter. Criteria: Natera Variant Classification Schema (03/2026). Collection method: clinical testing. Allele origin: germline.
Comment: The c.946-6T>G variant in ACADM is an intronic variant located outside the canonical splice sites. This variant is rare in the general population with a frequency below the threshold expected for the associated phenotype(s). This variant has been observed in one or more individuals affected with the associated recessive disease, as either homozygous or compound heterozygous with a second variant (PMID: 22166308, 22542437). Functional studies show that this variant may disrupt protein function (PMID: 22542437). Computational prediction algorithms indicate this variant is likely to affect gene or protein function. Given the available evidence, this variant is classified as Likely Pathogenic.

North West Genomic Laboratory Hub, Manchester University NHS Foundation Trust
Classification: Pathogenic for Medium-chain acyl-coenzyme A dehydrogenase deficiency. Last evaluated: 2025-12-19. Review status: criteria provided, single submitter. Criteria: ACGS Best Practice Guidelines for Variant Classification in Rare Disease 2024. Collection method: clinical testing. Allele origin: germline. Affected: yes.
Comment: PP4_Str PM3_Mod PM2_Mod PVS1_Mod

Labcorp Genetics (formerly Invitae), Labcorp
Classification: Pathogenic for Medium-chain acyl-coenzyme A dehydrogenase deficiency. Last evaluated: 2025-07-29. Review status: criteria provided, single submitter. Criteria: Invitae Variant Classification Sherloc (09022015). Collection method: clinical testing. Allele origin: germline.
Comment: This sequence change falls in intron 10 of the ACADM gene. It does not directly change the encoded amino acid sequence of the ACADM protein. RNA analysis indicates that this variant induces altered splicing and likely results in the loss of 41 amino acid residue(s), but is expected to preserve the integrity of the reading-frame. This variant is present in population databases (rs765793260, gnomAD 0.07%). This variant has been observed in individual(s) with MCAD deficiency (internal data). In at least one individual the data is consistent with being in trans (on the opposite chromosome) from a pathogenic variant. ClinVar contains an entry for this variant (Variation ID: 558685). Studies have shown that this variant results in the activation of a cryptic splice site in exon 11 (PMID: 22542437). This variant disrupts the p.Met328 amino acid residue in ACADM. Other variant(s) that disrupt this residue have been determined to be pathogenic (PMID: 23028790, 24966162; internal data). This suggests that this residue is clinically significant, and that variants that disrupt this residue are likely to be disease-causing. For these reasons, this variant has been classified as Pathogenic.

Fulgent Genetics
Classification: Pathogenic for Medium-chain acyl-coenzyme A dehydrogenase deficiency. Last evaluated: 2024-05-30. Review status: criteria provided, single submitter. Criteria: ACMG Guidelines, 2015. Collection method: clinical testing. Allele origin: germline.

Revvity Omics, Revvity
Classification: Likely pathogenic for Medium-chain acyl-coenzyme A dehydrogenase deficiency. Last evaluated: 2024-05-29. Review status: criteria provided, single submitter. Criteria: ACMG Guidelines, 2015. Collection method: clinical testing. Allele origin: germline.

Blueprint Genetics
Classification: Pathogenic for ACADM-related disorders. Last evaluated: 2024-05-22. Review status: criteria provided, single submitter. Criteria: ACMG Guidelines, 2015. Collection method: clinical testing. Allele origin: germline. Affected: yes. Observed: 5 variant alleles.

Genomic Medicine Center of Excellence, King Faisal Specialist Hospital and Research Centre
Classification: Likely pathogenic for Medium-chain acyl-coenzyme A dehydrogenase deficiency. Last evaluated: 2024-03-25. Review status: criteria provided, single submitter. Criteria: ACMG Guidelines, 2015. Collection method: clinical testing. Allele origin: germline.

Baylor Genetics
Classification: Pathogenic for Medium-chain acyl-coenzyme A dehydrogenase deficiency. Last evaluated: 2024-03-04. Review status: criteria provided, single submitter. Criteria: ACMG Guidelines, 2015. Collection method: clinical testing. Allele origin: unknown.

Women's Health and Genetics/Laboratory Corporation of America, LabCorp
Classification: Pathogenic for Medium-chain acyl-coenzyme A dehydrogenase deficiency. Last evaluated: 2022-10-14. Review status: criteria provided, single submitter. Criteria: LabCorp Variant Classification Summary - May 2015. Collection method: clinical testing. Allele origin: germline.
Comment: Variant summary: ACADM c.946-6T>G alters a nucleotide located close to a canonical splice site and therefore could affect mRNA splicing, leading to a significantly altered protein sequence. Several computational tools predict a significant impact on normal splicing: Four predict the variant abolishes a 3 acceptor site. Four predict the variant creates a cryptic 3 acceptor site. However, these predictions have yet to be confirmed by functional studies. The variant allele was found at a frequency of 8e-05 in 249872 control chromosomes (gnomAD). This frequency is not significantly higher than expected for a pathogenic variant in ACADM causing Medium Chain Acyl-CoA Dehydrogenase Deficiency (8e-05 vs 0.0054), allowing no conclusion about variant significance. c.946-6T>G has been reported in the literature in multiple compound heterozygous and homozygous individuals affected with Medium Chain Acyl-CoA Dehydrogenase Deficiency (Oerton_2011, Adhikari_2020). These data indicate that the variant is very likely to be associated with disease. To our knowledge, no experimental evidence demonstrating an impact on protein function has been reported. Three ClinVar submitters (evaluation after 2014) cite the variant as pathogenic (n=2) and likely pathogenic (n=1). Based on the evidence outlined above, the variant was classified as pathogenic.

Neuberg Centre For Genomic Medicine, NCGM
Classification: Pathogenic for Medium-chain acyl-coenzyme A dehydrogenase deficiency. Review status: criteria provided, single submitter. Criteria: ACMG Guidelines, 2015. Collection method: clinical testing. Allele origin: germline. Inheritance: Autosomal recessive inheritance. Affected: yes.
Comment: The splice variant c.946-6T>G in ACADM gene has been reported previously in homozygous/ compound heterozygous state in patients affected with MCAD deficiency, in at least one individual the data is consistent with the variant being in trans (on the opposite chromosome) from a pathogenic variant (Andresen BS et al). The c.946-6T>G variant is reported with the allele frequency of 0.008004% in gnomAD Exome and is novel (not in any individuals) in 1000 Genomes. This variant has been reported to the ClinVar database as Pathogenic/Likely pathogenic. Experimental studies have shown that this variant disrupts mRNA splicing (Andresen BS et al). For these reasons, this variant has been classified as Pathogenic.

Counsyl
Classification: Pathogenic for Medium-chain acyl-coenzyme A dehydrogenase deficiency. Last evaluated: 2018-06-04. Review status: no assertion criteria provided. Collection method: clinical testing. Allele origin: unknown. Not counted in ClinVar's aggregate classification.

Literature cited by the submitters: PubMed 22166308 (cited by 3 submitters); PubMed 22542437 (cited by 3 submitters); PubMed 23028790 (cited by Labcorp Genetics (formerly Invitae), Labcorp); PubMed 24966162 (cited by Labcorp Genetics (formerly Invitae), Labcorp); PubMed 32778825 (cited by Women's Health and Genetics/Laboratory Corporation of America, LabCorp).

NM_000016.6(ACADM):c.946-6T>G

Gene: ACADM (acyl-CoA dehydrogenase medium chain; plus strand). Cytogenetic location: 1p31.1.
Variant type: single nucleotide variant.
Coding change: c.946-6T>G on transcript NM_000016.6 (MANE Select); 6 bases into the intron before coding-DNA position 946, T replaced by G.
Molecular consequence: intron variant.
Genome position (GRCh38, 1-based): chr1:75,761,116, T>G. VCF-style: chr1-75761116-T-G. GRCh37 (hg19) VCF-style: chr1-76226801-T-G.
Other names: c.958-6T>G (NM_001127328.3); c.1045-6T>G (NM_001286043.2); c.838-6T>G (NM_001286042.2); c.379-6T>G (NM_001286044.2).
Identifiers: ClinVar variation 558685 (VCV000558685.26), dbSNP rs765793260, ClinGen allele CA913254.